The following is an entry in ClinVar:

ClinVar aggregate classification (germline): Conflicting classifications of pathogenicity. Review status: criteria provided, conflicting classifications (1 of 4 stars). 2 submissions from 2 submitters: Uncertain significance (1); Likely benign (1). Last evaluated 2023-03-23.

Conditions:
Hereditary cancer-predisposing syndrome. Also called: Tumor predisposition; Hereditary Cancer Syndrome; Neoplastic Syndromes, Hereditary; Hereditary neoplastic syndrome. Identifiers: Orphanet 140162, MedGen C0027672, MeSH D009386, MONDO:0015356.
Hereditary breast ovarian cancer syndrome. Also called: Breast and ovarian cancer; BRCA1- and BRCA2-Associated Hereditary Breast and Ovarian Cancer; Hereditary breast and ovarian cancer syndrome; Hereditary breast and ovarian cancer; Hereditary breast and ovarian cancer syndrome (HBOC); Hereditary breast and/or ovarian cancer syndrome. Identifiers: Orphanet 145, MedGen C0677776, MeSH D061325, MONDO:0003582. Disease mechanism: loss of function.

Submissions (2):

University of Washington Department of Laboratory Medicine, University of Washington
Classification: Likely benign for Hereditary cancer-predisposing syndrome. Last evaluated: 2023-03-23. Review status: criteria provided, single submitter. Criteria: Dines et al. (Genet Med. 2020). Collection method: curation. Allele origin: germline.
Comment: Missense variant in a coldspot region where missense variants are very unlikely to be pathogenic (PMID:31911673).

BRCA1 coldspot (exon 11 using historical exon numbering). Reclassification based on statistical prior probability

Labcorp Genetics (formerly Invitae), Labcorp
Classification: Uncertain significance for Hereditary breast ovarian cancer syndrome. Last evaluated: 2021-12-25. Review status: criteria provided, single submitter. Criteria: Invitae Variant Classification Sherloc (09022015). Collection method: clinical testing. Allele origin: germline.
Comment: This variant has not been reported in the literature in individuals affected with BRCA1-related conditions. This variant is not present in population databases (gnomAD no frequency). This sequence change replaces threonine, which is neutral and polar, with serine, which is neutral and polar, at codon 549 of the BRCA1 protein (p.Thr549Ser). In summary, the available evidence is currently insufficient to determine the role of this variant in disease. Therefore, it has been classified as a Variant of Uncertain Significance. Advanced modeling of protein sequence and biophysical properties (such as structural, functional, and spatial information, amino acid conservation, physicochemical variation, residue mobility, and thermodynamic stability) performed at Invitae indicates that this missense variant is not expected to disrupt BRCA1 protein function.

NM_007294.4(BRCA1):c.1645A>T (p.Thr549Ser)

Gene: BRCA1 (BRCA1 DNA repair associated; minus strand). Cytogenetic location: 17q21.31.
Variant type: single nucleotide variant.
Coding change: c.1645A>T on transcript NM_007294.4 (MANE Select); coding-DNA position 1645, A replaced by T.
Protein change: p.Thr549Ser; replaces threonine 549 with serine.
Molecular consequence: missense variant. On other transcripts: intron variant (137).
Genome position (GRCh38, 1-based): chr17:43,093,886, T>A on the plus strand (A>T on the coding strand, the complement: BRCA1 is on the minus strand). VCF-style: chr17-43093886-T-A. GRCh37 (hg19) VCF-style: chr17-41245903-T-A.
Other names: c.1504A>T, p.Thr502Ser (NM_007297.4, NM_001407692.1, NM_001407694.1 and 29 more transcripts); c.1645A>T, p.Thr549Ser (NM_007300.4, NM_001407581.1, NM_001407582.1 and 30 more transcripts); c.646+858A>T (NM_001408458.1, NM_001408469.1, NM_001408453.1 and 11 more transcripts); c.283+858A>T (NM_001408512.1); c.406+858A>T (NM_001408510.1); c.643+858A>T (NM_001408470.1, NM_001408464.1, NM_001408468.1 and 3 more transcripts); c.784+858A>T (NM_001408397.1, NM_001408401.1, NM_001408396.1 and 13 more transcripts); c.664+858A>T (NM_001408436.1, NM_001408444.1, NM_001408438.1 and 12 more transcripts); and 40 more; short protein forms T421S, T478S, T502S, T549S, T422S, T438S, T481S, T482S.
Identifiers: ClinVar variation 2059411 (VCV002059411.6), dbSNP rs2552200744, ClinGen allele CA10598744.